The following is an entry in ClinVar:

NM_024513.4(FYCO1):c.2349G>T (p.Gly783=)

Gene: FYCO1 (FYVE and coiled-coil domain autophagy adaptor 1; minus strand). Cytogenetic location: 3p21.31.
Variant type: single nucleotide variant.
Coding change: c.2349G>T on transcript NM_024513.4 (MANE Select); coding-DNA position 2349, G replaced by T.
Protein change: p.Gly783=; no amino-acid change (glycine 783 retained).
Molecular consequence: synonymous variant. On other transcripts: non-coding transcript variant (1).
Genome position (GRCh38, 1-based): chr3:45,966,985, C>A on the plus strand (G>T on the coding strand, the complement: FYCO1 is on the minus strand). VCF-style: chr3-45966985-C-A. GRCh37 (hg19) VCF-style: chr3-46008477-C-A.
Other names: c.2349G>T, p.Gly783= (NM_001386421.1, NM_001386422.1, NM_001386423.1 and 4 more transcripts); c.2229G>T, p.Gly743= (NM_001386426.1); c.2205G>T, p.Gly735= (NM_001386427.1); c.1749G>T, p.Gly583= (NM_001386430.1).
Identifiers: ClinVar variation 4996112 (VCV004996112.1).

ClinVar aggregate classification (germline): Likely benign (1 of 4 stars; one submission).

Conditions:
FYCO1-related disorder. Also called: FYCO1-related condition.

gnomAD v4.1: 2 of 1,613,124 alleles (0.00012%); highest among the groups gnomAD compares: African/African-American, 0.0027%; no homozygotes.

Submission:

PreventionGenetics, part of Exact Sciences
Classification: Likely benign for FYCO1-related condition. Last evaluated: 2025-11-19. Review status: criteria provided, single submitter. Criteria: ACMG Guidelines, 2015. Collection method: clinical testing. Allele origin: germline.
Comment: This variant is classified as likely benign based on ACMG/AMP sequence variant interpretation guidelines (Richards et al. 2015 PMID: 25741868, with internal and published modifications).